The following is an entry in ClinVar:

NM_000651.6(CR1):c.3979A>G (p.Ile1327Val)

Gene: CR1 (complement C3b/C4b receptor 1 (Knops blood group); plus strand). Cytogenetic location: 1q32.2.
Variant type: single nucleotide variant.
Coding change: c.3979A>G on transcript NM_000651.6 (MANE Select); coding-DNA position 3979, A replaced by G.
Protein change: p.Ile1327Val; replaces isoleucine 1327 with valine.
Molecular consequence: missense variant.
Genome position (GRCh38, 1-based): chr1:207,567,850, A>G. VCF-style: chr1-207567850-A-G. GRCh37 (hg19) VCF-style: chr1-207741195-A-G.
Other names: c.2629A>G (NM_000573.3); c.2629A>G, p.Ile877Val (NM_000573.4, NM_001381851.1); short protein forms I1327V, I877V.
Identifiers: ClinVar variation 2639873 (VCV002639873.25), dbSNP rs368350236, ClinGen allele CA1369753.

ClinVar aggregate classification (germline): Conflicting classifications of pathogenicity. Review status: criteria provided, conflicting classifications (1 of 4 stars). 2 submissions from 2 submitters: Uncertain significance (1); Likely benign (1). Last evaluated 2025-08-13.

Allele frequency attached by ClinVar (database versions not stated): TOPMed 0.00001; gnomAD exomes 0.00002; ExAC 0.00003; gnomAD 0.00005; ESP Exome Variant Server 0.00009.
gnomAD v4.1: 45 of 1,610,942 alleles (0.0028%); highest among the groups gnomAD compares: Middle Eastern, 0.099%; no homozygotes.

Submissions (2):

Ambry Genetics
Classification: Uncertain significance. Last evaluated: 2025-08-13. Review status: criteria provided, single submitter. Criteria: Ambry Variant Classification Scheme 2023. Collection method: clinical testing. Allele origin: germline.

CeGaT Center for Human Genetics Tuebingen
Classification: Likely benign. Last evaluated: 2023-01-01. Review status: criteria provided, single submitter. Criteria: CeGaT Center For Human Genetics Tuebingen Variant Classification Criteria Version 2. Collection method: clinical testing. Allele origin: germline. Affected: yes. Observed: 1 variant allele.
Comment: CR1: BP4